The following is an entry in ClinVar:

NM_198576.4(AGRN):c.3751+6C>T

Gene: AGRN (agrin; plus strand). Cytogenetic location: 1p36.33.
Variant type: single nucleotide variant.
Coding change: c.3751+6C>T on transcript NM_198576.4 (MANE Select); 6 bases into the intron after coding-DNA position 3751, C replaced by T.
Molecular consequence: intron variant.
Genome position (GRCh38, 1-based): chr1:1,047,901, C>T. VCF-style: chr1-1047901-C-T. GRCh37 (hg19) VCF-style: chr1-983281-C-T.
Other names: c.3751+6C>T (NM_001305275.2); c.3436+6C>T (NM_001364727.2).
Identifiers: ClinVar variation 1450751 (VCV001450751.3), dbSNP rs756678012, ClinGen allele CA509207.

ClinVar aggregate classification (germline): Uncertain significance (1 of 4 stars; one submission).

Conditions:
Congenital myasthenic syndrome 8. Also called: MYASTHENIC SYNDROME, CONGENITAL, DUE TO AGRIN DEFICIENCY; Myasthenic syndrome, congenital, 8, with pre- and postsynaptic defects. Identifiers: Orphanet 590, MedGen C3808739, MONDO:0014052, OMIM 615120.

Allele frequency attached by ClinVar (database versions not stated): gnomAD exomes 0.00001; TOPMed 0.00001; ExAC 0.00003.
gnomAD v4.1: 19 of 1,600,346 alleles (0.0012%); highest among the groups gnomAD compares: East Asian, 0.0045%; no homozygotes.

Submission:

Labcorp Genetics (formerly Invitae), Labcorp
Classification: Uncertain significance for Congenital myasthenic syndrome 8. Last evaluated: 2022-03-08. Review status: criteria provided, single submitter. Criteria: Invitae Variant Classification Sherloc (09022015). Collection method: clinical testing. Allele origin: germline.
Comment: This sequence change falls in intron 22 of the AGRN gene. It does not directly change the encoded amino acid sequence of the AGRN protein. It affects a nucleotide within the consensus splice site. This variant is present in population databases (rs756678012, gnomAD 0.006%). This variant has not been reported in the literature in individuals affected with AGRN-related conditions. Variants that disrupt the consensus splice site are a relatively common cause of aberrant splicing (PMID: 17576681, 9536098). Algorithms developed to predict the effect of sequence changes on RNA splicing suggest that this variant is not likely to affect RNA splicing. In summary, the available evidence is currently insufficient to determine the role of this variant in disease. Therefore, it has been classified as a Variant of Uncertain Significance.

Literature cited by the submitters: PubMed 17576681; PubMed 9536098.